The following is an entry in ClinVar:

NM_004304.5(ALK):c.4196T>C (p.Ile1399Thr)

Gene: ALK (ALK receptor tyrosine kinase; minus strand). Cytogenetic location: 2p23.2.
Variant type: single nucleotide variant.
Coding change: c.4196T>C on transcript NM_004304.5 (MANE Select); coding-DNA position 4196, T replaced by C.
Protein change: p.Ile1399Thr; replaces isoleucine 1399 with threonine.
Molecular consequence: missense variant.
Genome position (GRCh38, 1-based): chr2:29,193,891, A>G on the plus strand (T>C on the coding strand, the complement: ALK is on the minus strand). VCF-style: chr2-29193891-A-G. GRCh37 (hg19) VCF-style: chr2-29416757-A-G.
Other names: c.992T>C, p.Ile331Thr (NM_001353765.2); short protein forms I1399T, I331T.
Identifiers: ClinVar variation 858250 (VCV000858250.13), dbSNP rs746970974, ClinGen allele CA1593627.

ClinVar aggregate classification (germline): Uncertain significance. Review status: criteria provided, multiple submitters, no conflicts (2 of 4 stars). 4 submissions from 4 submitters: Uncertain significance (4). Last evaluated 2025-12-21.

Conditions:
Neuroblastoma, susceptibility to, 3. Also called: ALK-Related Neuroblastic Tumor Susceptibility. Identifiers: Orphanet 635, MedGen C2751681, MONDO:0013083, OMIM 613014.
Hereditary cancer-predisposing syndrome. Also called: Hereditary neoplastic syndrome; Tumor predisposition; Neoplastic Syndromes, Hereditary; Hereditary Cancer Syndrome. Identifiers: Orphanet 140162, MedGen C0027672, MeSH D009386, MONDO:0015356.

Allele frequency attached by ClinVar (database versions not stated): gnomAD 0.00001; gnomAD exomes 0.00001; TOPMed 0.00001; ExAC 0.00002.
gnomAD v4.1: 12 of 1,614,010 alleles (0.00074%); highest among the groups gnomAD compares: South Asian, 0.0066%; no homozygotes.

Submissions (4):

Labcorp Genetics (formerly Invitae), Labcorp
Classification: Uncertain significance for Neuroblastoma, susceptibility to, 3. Last evaluated: 2025-12-21. Review status: criteria provided, single submitter. Criteria: Invitae Variant Classification Sherloc (09022015). Collection method: clinical testing. Allele origin: germline.
Comment: This sequence change replaces isoleucine, which is neutral and non-polar, with threonine, which is neutral and polar, at codon 1399 of the ALK protein (p.Ile1399Thr). This variant is present in population databases (rs746970974, gnomAD 0.006%). This variant has not been reported in the literature in individuals affected with ALK-related conditions. ClinVar contains an entry for this variant (Variation ID: 858250). An algorithm developed to predict the effect of missense changes on protein structure and function (PolyPhen-2) suggests that this variant is likely to be tolerated. In summary, the available evidence is currently insufficient to determine the role of this variant in disease. Therefore, it has been classified as a Variant of Uncertain Significance.

GeneDx
Classification: Uncertain significance. Last evaluated: 2024-09-05. Review status: criteria provided, single submitter. Criteria: GeneDx Variant Classification Process June 2021. Collection method: clinical testing. Allele origin: germline. Affected: yes.
Comment: Not observed at significant frequency in large population cohorts (gnomAD); In silico analysis supports that this missense variant has a deleterious effect on protein structure/function; Has not been previously published as pathogenic or benign to our knowledge

Ambry Genetics
Classification: Uncertain significance for Hereditary cancer-predisposing syndrome. Last evaluated: 2024-03-28. Review status: criteria provided, single submitter. Criteria: Ambry Variant Classification Scheme 2023. Collection method: clinical testing. Allele origin: germline.
Comment: The p.I1399T variant (also known as c.4196T>C), located in coding exon 29 of the ALK gene, results from a T to C substitution at nucleotide position 4196. The isoleucine at codon 1399 is replaced by threonine, an amino acid with similar properties. This amino acid position is conserved. In addition, this alteration is predicted to be tolerated by in silico analysis. Since supporting evidence is limited at this time, the clinical significance of this alteration remains unclear.

Baylor Genetics
Classification: Uncertain significance for Neuroblastoma, susceptibility to, 3. Last evaluated: 2023-10-06. Review status: criteria provided, single submitter. Criteria: ACMG Guidelines, 2015. Collection method: clinical testing. Allele origin: unknown.